The following is an entry in ClinVar:

NM_000102.4(CYP17A1):c.570T>A (p.Asn190Lys)

Gene: CYP17A1 (cytochrome P450 family 17 subfamily A member 1; minus strand). Cytogenetic location: 10q24.32.
Variant type: single nucleotide variant.
Coding change: c.570T>A on transcript NM_000102.4 (MANE Select); coding-DNA position 570, T replaced by A.
Protein change: p.Asn190Lys; replaces asparagine 190 with lysine.
Molecular consequence: missense variant.
Genome position (GRCh38, 1-based): chr10:102,834,881, A>T on the plus strand (T>A on the coding strand, the complement: CYP17A1 is on the minus strand). VCF-style: chr10-102834881-A-T. GRCh37 (hg19) VCF-style: chr10-104594638-A-T.
Other names: short protein forms N190K.
Identifiers: ClinVar variation 1909170 (VCV001909170.5), dbSNP rs200231398, ClinGen allele CA377939933.
Genomic context (GRCh38, chr10:102,834,881, plus strand): 5'-GCTCAGGTTGTCTATGATGCCTTCATTGTAATTCTGTATGACATTCAACTCAGGGTCCCC[A>T]TTCTTGTAGGAGGTATTGAAGCAGATCAAGGAGATGACATTGGTTACCGCCACGAAGACA-3'
Protein context (NP_000093.1, residues 180-200): SLICFNTSYK[Asn190Lys]GDPELNVIQN

ClinVar aggregate classification (germline): Uncertain significance (1 of 4 stars; one submission).

Submission:

Labcorp Genetics (formerly Invitae), Labcorp
Classification: Uncertain significance. Last evaluated: 2022-11-13. Review status: criteria provided, single submitter. Criteria: Invitae Variant Classification Sherloc (09022015). Collection method: clinical testing. Allele origin: germline.
Comment: This sequence change replaces asparagine, which is neutral and polar, with lysine, which is basic and polar, at codon 190 of the CYP17A1 protein (p.Asn190Lys). This variant is not present in population databases (gnomAD no frequency). This variant has not been reported in the literature in individuals affected with CYP17A1-related conditions. Advanced modeling of protein sequence and biophysical properties (such as structural, functional, and spatial information, amino acid conservation, physicochemical variation, residue mobility, and thermodynamic stability) performed at Invitae indicates that this missense variant is not expected to disrupt CYP17A1 protein function. In summary, the available evidence is currently insufficient to determine the role of this variant in disease. Therefore, it has been classified as a Variant of Uncertain Significance.